The following is an entry in ClinVar:

ClinVar aggregate classification (germline): Uncertain significance (1 of 4 stars; one submission).

Submission:

GeneDx
Classification: Uncertain significance. Last evaluated: 2026-03-20. Review status: criteria provided, single submitter. Criteria: GeneDx Variant Classification Process June 2021. Collection method: clinical testing. Allele origin: germline.
Comment: Not observed at significant frequency in large population cohorts (gnomAD); In silico analysis supports that this missense variant has a deleterious effect on protein structure/function; Has not been previously published as pathogenic or benign to our knowledge

NM_004539.4(NARS1):c.1375A>G (p.Thr459Ala)

Gene: NARS1 (asparaginyl-tRNA synthetase 1; minus strand). Cytogenetic location: 18q21.31.
Variant type: single nucleotide variant.
Coding change: c.1375A>G on transcript NM_004539.4 (MANE Select); coding-DNA position 1375, A replaced by G.
Protein change: p.Thr459Ala; replaces threonine 459 with alanine.
Molecular consequence: missense variant.
Genome position (GRCh38, 1-based): chr18:57,602,820, T>C on the plus strand (A>G on the coding strand, the complement: NARS1 is on the minus strand). VCF-style: chr18-57602820-T-C. GRCh37 (hg19) VCF-style: chr18-55270052-T-C.
Other names: short protein forms T459A.
Identifiers: ClinVar variation 5017079 (VCV005017079.1).